The following is an entry in ClinVar:

ClinVar aggregate classification (germline): Benign (1 of 4 stars; one submission).

Conditions:
Thyroid hormone resistance, generalized, autosomal dominant (GRTHD). Also called: HYPERTHYROXINEMIA, FAMILIAL EUTHYROID, SECONDARY TO PITUITARY AND PERIPHERAL RESISTANCE TO THYROID HORMONES. Identifiers: MedGen C2937288, MONDO:0008569, OMIM 188570.

Allele frequency attached by ClinVar (database versions not stated): 1000 Genomes Project 0.00559; 1000 Genomes Project 30x 0.00625; gnomAD 0.00670 and 0.00725; TOPMed 0.00788.

Submission:

Illumina Laboratory Services, Illumina
Classification: Benign for Thyroid hormone resistance, generalized, autosomal dominant. Last evaluated: 2018-01-12. Review status: criteria provided, single submitter. Criteria: ICSL Variant Classification Criteria 13 December 2019. Collection method: clinical testing. Allele origin: germline.
Comment: This variant was observed in the ICSL laboratory as part of a predisposition screen in an ostensibly healthy population. It had not been previously curated by ICSL or reported in the Human Gene Mutation Database (HGMD: prior to June 1st, 2018), and was therefore a candidate for classification through an automated scoring system. Utilizing variant allele frequency, disease prevalence and penetrance estimates, and inheritance mode, an automated score was calculated to assess if this variant is too frequent to cause the disease. Based on the score and internal cut-off values, a variant classified as benign is not then subjected to further curation. The score for this variant resulted in a classification of benign for this disease.

NM_001354712.2(THRB):c.*2316A>G

Gene: THRB (thyroid hormone receptor beta; minus strand). Cytogenetic location: 3p24.2.
Variant type: single nucleotide variant.
Coding change: c.*2316A>G on transcript NM_001354712.2 (MANE Select); 2316 bases downstream of the stop codon, A replaced by G.
Molecular consequence: 3 prime UTR variant.
Genome position (GRCh38, 1-based): chr3:24,120,568, T>C on the plus strand (A>G on the coding strand, the complement: THRB is on the minus strand). VCF-style: chr3-24120568-T-C. GRCh37 (hg19) VCF-style: chr3-24162059-T-C.
Other names: c.*2316A>G (NM_000461.5, NM_001128176.3, NM_001128177.2 and 8 more transcripts).
Identifiers: ClinVar variation 344596 (VCV000344596.5), dbSNP rs113984059, ClinGen allele CA10618365.